The following is an entry in ClinVar:

ClinVar aggregate classification (germline): Uncertain significance. Review status: criteria provided, multiple submitters, no conflicts (2 of 4 stars). 3 submissions from 3 submitters: Uncertain significance (3). Last evaluated 2025-04-29.

Conditions:
Inborn genetic diseases. Identifiers: MedGen C0950123, MeSH D030342.

Allele frequency attached by ClinVar (database versions not stated): ExAC 0.00005; gnomAD exomes 0.00005; gnomAD 0.00007; TOPMed 0.00008.
gnomAD v4.1: 250 of 1,613,634 alleles (0.015%); highest among the groups gnomAD compares: Non-Finnish European, 0.019%; no homozygotes.

Submissions (5):

Ambry Genetics
Classification: Uncertain significance for Inborn genetic diseases. Last evaluated: 2025-04-29. Review status: criteria provided, single submitter. Criteria: Ambry Variant Classification Scheme 2023. Collection method: clinical testing. Allele origin: germline.

Labcorp Genetics (formerly Invitae), Labcorp
Classification: Uncertain significance. Last evaluated: 2022-04-08. Review status: criteria provided, single submitter. Criteria: Invitae Variant Classification Sherloc (09022015). Collection method: clinical testing. Allele origin: germline.
Comment: This sequence change replaces valine, which is neutral and non-polar, with leucine, which is neutral and non-polar, at codon 2643 of the DMXL2 protein (p.Val2643Leu). This variant is present in population databases (rs745532251, gnomAD 0.01%). This variant has not been reported in the literature in individuals affected with DMXL2-related conditions. Algorithms developed to predict the effect of missense changes on protein structure and function are either unavailable or do not agree on the potential impact of this missense change (SIFT: "Tolerated"; PolyPhen-2: "Probably Damaging"; Align-GVGD: "Class C0"). Algorithms developed to predict the effect of sequence changes on RNA splicing suggest that this variant may disrupt the consensus splice site. In summary, the available evidence is currently insufficient to determine the role of this variant in disease. Therefore, it has been classified as a Variant of Uncertain Significance.

CeGaT Center for Human Genetics Tuebingen
Classification: Uncertain significance. Last evaluated: 2022-04-01. Review status: criteria provided, single submitter. Criteria: CeGaT Center For Human Genetics Tuebingen Variant Classification Criteria Version 2. Collection method: clinical testing. Allele origin: germline. Affected: yes. Observed: 1 variant allele.
Comment: DMXL2: PM2

Dr. Peter K. Rogan Lab, Western University
No classification provided (evidence only). Condition: Thyroid cancer, nonmedullary, 1. Review status: no classification provided. Collection method: in vitro. Allele origin: not applicable. Functional consequence: retained intron. Not counted in ClinVar's aggregate classification.

Dr. Peter K. Rogan Lab, Western University
No classification provided (evidence only). Condition: Ovarian serous cystadenocarcinoma. Review status: no classification provided. Collection method: in vitro. Allele origin: not applicable. Functional consequence: retained intron. Not counted in ClinVar's aggregate classification.

NM_001378457.1(DMXL2):c.7990G>C (p.Val2664Leu)

Gene: DMXL2 (Dmx like 2; minus strand). Cytogenetic location: 15q21.2.
Variant type: single nucleotide variant.
Coding change: c.7990G>C on transcript NM_001378457.1 (MANE Select); coding-DNA position 7990, G replaced by C.
Protein change: p.Val2664Leu; replaces valine 2664 with leucine.
Molecular consequence: missense variant. On other transcripts: non-coding transcript variant (2).
Genome position (GRCh38, 1-based): chr15:51,458,795, C>G on the plus strand (G>C on the coding strand, the complement: DMXL2 is on the minus strand). VCF-style: chr15-51458795-C-G. GRCh37 (hg19) VCF-style: chr15-51750992-C-G.
Other names: c.7927G>C, p.Val2643Leu (NM_001174116.3); c.6016G>C, p.Val2006Leu (NM_001174117.3); c.7987G>C, p.Val2663Leu (NM_001378458.1); c.7702G>C, p.Val2568Leu (NM_001378459.1); c.5905G>C, p.Val1969Leu (NM_001378460.1); c.7924G>C, p.Val2642Leu (NM_015263.5); c.7927G>C (NM_001174116.1); short protein forms V2642L, V2664L, V2006L, V2643L, V2663L, V2568L, V1969L.
Identifiers: ClinVar variation 1492581 (VCV001492581.30), dbSNP rs745532251, ClinGen allele CA7561181.